The following is an entry in ClinVar:

NM_001848.3(COL6A1):c.2911G>C (p.Val971Leu)

Gene: COL6A1 (collagen type VI alpha 1 chain; plus strand). Cytogenetic location: 21q22.3.
Variant type: single nucleotide variant.
Coding change: c.2911G>C on transcript NM_001848.3 (MANE Select); coding-DNA position 2911, G replaced by C.
Protein change: p.Val971Leu; replaces valine 971 with leucine.
Molecular consequence: missense variant.
Genome position (GRCh38, 1-based): chr21:46,003,837, G>C. VCF-style: chr21-46003837-G-C. GRCh37 (hg19) VCF-style: chr21-47423751-G-C.
Other names: p.Val971Leu; short protein forms V971L.
Identifiers: ClinVar variation 1693771 (VCV001693771.7), dbSNP rs769795690, ClinGen allele CA10071072.

ClinVar aggregate classification (germline): Uncertain significance. Review status: criteria provided, multiple submitters, no conflicts (2 of 4 stars). 2 submissions from 2 submitters: Uncertain significance (2). Last evaluated 2023-05-07.

Conditions:
Bethlem myopathy 1A. Also called: Bethlem Muscular Dystrophy; MYOPATHY, BENIGN CONGENITAL, WITH CONTRACTURES; Bethlem myopathy 1. Identifiers: Orphanet 610, MedGen CN029274, MONDO:0024530, OMIM 158810.

gnomAD v4.1: 7 of 1,602,382 alleles (0.00044%); highest among the groups gnomAD compares: South Asian, 0.0033%; no homozygotes.

Submissions (2):

Labcorp Genetics (formerly Invitae), Labcorp
Classification: Uncertain significance for Bethlem myopathy 1A. Last evaluated: 2023-05-07. Review status: criteria provided, single submitter. Criteria: Invitae Variant Classification Sherloc (09022015). Collection method: clinical testing. Allele origin: germline.
Comment: This variant is present in population databases (rs769795690, gnomAD 0.003%). This sequence change replaces valine, which is neutral and non-polar, with leucine, which is neutral and non-polar, at codon 971 of the COL6A1 protein (p.Val971Leu). In summary, the available evidence is currently insufficient to determine the role of this variant in disease. Therefore, it has been classified as a Variant of Uncertain Significance. Advanced modeling of protein sequence and biophysical properties (such as structural, functional, and spatial information, amino acid conservation, physicochemical variation, residue mobility, and thermodynamic stability) performed at Invitae indicates that this missense variant is not expected to disrupt COL6A1 protein function. ClinVar contains an entry for this variant (Variation ID: 1693771). This variant has not been reported in the literature in individuals affected with COL6A1-related conditions.

Mayo Clinic Laboratories, Mayo Clinic
Classification: Uncertain significance. Last evaluated: 2021-08-11. Review status: criteria provided, single submitter. Criteria: ACMG Guidelines, 2015. Collection method: clinical testing. Allele origin: germline.